The following is an entry in ClinVar:

ClinVar aggregate classification (germline): Uncertain significance (1 of 4 stars; one submission).

Conditions:
COG5-congenital disorder of glycosylation. Also called: CDG IIi; COG5-CDG; CONGENITAL DISORDER OF GLYCOSYLATION, TYPE IIi. Identifiers: Orphanet 263487, MedGen C3150876, MONDO:0013325, OMIM 613612.

Allele frequency attached by ClinVar (database versions not stated): TOPMed below 0.00001.

Submission:

Labcorp Genetics (formerly Invitae), Labcorp
Classification: Uncertain significance for COG5-congenital disorder of glycosylation. Last evaluated: 2021-04-17. Review status: criteria provided, single submitter. Criteria: Invitae Variant Classification Sherloc (09022015). Collection method: clinical testing. Allele origin: germline.
Comment: In summary, the available evidence is currently insufficient to determine the role of this variant in disease. Therefore, it has been classified as a Variant of Uncertain Significance. Algorithms developed to predict the effect of sequence changes on RNA splicing suggest that this variant may disrupt the consensus splice site, but this prediction has not been confirmed by published transcriptional studies. Algorithms developed to predict the effect of missense changes on protein structure and function (SIFT, PolyPhen-2, Align-GVGD) all suggest that this variant is likely to be disruptive, but these predictions have not been confirmed by published functional studies and their clinical significance is uncertain. This variant has not been reported in the literature in individuals with COG5-related conditions. This variant is not present in population databases (ExAC no frequency). This sequence change replaces aspartic acid with tyrosine at codon 374 of the COG5 protein (p.Asp374Tyr). The aspartic acid residue is highly conserved and there is a large physicochemical difference between aspartic acid and tyrosine.

NM_006348.5(COG5):c.1027G>T (p.Asp343Tyr)

Gene: COG5 (component of oligomeric golgi complex 5; minus strand). Cytogenetic location: 7q22.3.
Variant type: single nucleotide variant.
Coding change: c.1027G>T on transcript NM_006348.5 (MANE Select); coding-DNA position 1027, G replaced by T.
Protein change: p.Asp343Tyr; replaces aspartic acid 343 with tyrosine.
Molecular consequence: missense variant. On other transcripts: intron variant (1).
Genome position (GRCh38, 1-based): chr7:107,324,521, C>A on the plus strand (G>T on the coding strand, the complement: COG5 is on the minus strand). VCF-style: chr7-107324521-C-A. GRCh37 (hg19) VCF-style: chr7-106964966-C-A.
Other names: c.1027G>T, p.Asp343Tyr (NM_001161520.2, NM_001379511.1, NM_001379512.1 and 3 more transcripts); c.313G>T, p.Asp105Tyr (NM_001379516.1); c.539-26175G>T (NM_001379515.1); short protein forms D105Y, D343Y.
Identifiers: ClinVar variation 1474983 (VCV001474983.8), dbSNP rs1240588560, ClinGen allele CA368941470.